The following is an entry in ClinVar:

ClinVar aggregate classification (germline): Conflicting classifications of pathogenicity. Review status: criteria provided, conflicting classifications (1 of 4 stars). 12 submissions from 12 submitters: Uncertain significance (6); Likely benign (3). 3 of the submissions do not count toward it. Last evaluated 2025-12-27.

Conditions:
Hereditary cancer-predisposing syndrome. Also called: Tumor predisposition; Hereditary neoplastic syndrome; Neoplastic Syndromes, Hereditary; Hereditary Cancer Syndrome. Identifiers: Orphanet 140162, MedGen C0027672, MeSH D009386, MONDO:0015356.
Microcephaly, normal intelligence and immunodeficiency (NBS). Also called: BERLIN BREAKAGE SYNDROME; IMMUNODEFICIENCY, MICROCEPHALY, AND CHROMOSOMAL INSTABILITY; Ataxia telangiectasia variant V1; SEEMANOVA SYNDROME II; Immunodeficiency, microcephaly with normal intelligence; Nijmegen breakage syndrome. Identifiers: Orphanet 647, MedGen C0398791, MONDO:0009623, OMIM 251260.
Aplastic anemia. Identifiers: Orphanet 182040, Orphanet 88, MedGen C0002874, MONDO:0015909, OMIM 609135, HP:0001915.

Allele frequency attached by ClinVar (database versions not stated): gnomAD 0.00002; gnomAD exomes 0.00002 and 0.00011; TOPMed 0.00004; ExAC 0.00012.
gnomAD v4.1: 33 of 1,613,888 alleles (0.002%); highest among the groups gnomAD compares: East Asian, 0.04%; no homozygotes.

Submissions (12):

Labcorp Genetics (formerly Invitae), Labcorp
Classification: Likely benign for Microcephaly, normal intelligence and immunodeficiency. Last evaluated: 2025-12-27. Review status: criteria provided, single submitter. Criteria: Invitae Variant Classification Sherloc (09022015). Collection method: clinical testing. Allele origin: germline.

Mayo Clinic Laboratories, Mayo Clinic
Classification: Uncertain significance. Last evaluated: 2025-05-28. Review status: criteria provided, single submitter. Criteria: ACMG Guidelines, 2015. Collection method: clinical testing. Allele origin: germline. Observed: 1 variant allele.
Comment: PP3_moderate

Baylor Genetics
Classification: Uncertain significance for Aplastic anemia. Last evaluated: 2024-03-13. Review status: criteria provided, single submitter. Criteria: ACMG Guidelines, 2015. Collection method: clinical testing. Allele origin: unknown.

GeneDx
Classification: Uncertain significance. Last evaluated: 2023-11-09. Review status: criteria provided, single submitter. Criteria: GeneDx Variant Classification Process June 2021. Collection method: clinical testing. Allele origin: germline. Affected: yes.
Comment: In silico analysis supports that this missense variant has a deleterious effect on protein structure/function; Present among both cases and controls in a breast cancer case-control study (PMID: 33471991); This variant is associated with the following publications: (PMID: 24755471, 24894818, 26787654, 30287823, 32980694, 33471991, 36243179)

Women's Health and Genetics/Laboratory Corporation of America, LabCorp
Classification: Uncertain significance. Last evaluated: 2023-08-31. Review status: criteria provided, single submitter. Criteria: LabCorp Variant Classification Summary - May 2015. Collection method: clinical testing. Allele origin: germline.
Comment: Variant summary: NBN c.104T>C (p.Ile35Thr) results in a non-conservative amino acid change located in the Forkhead-associated (FHA) domain (IPR000253) of the encoded protein sequence. Five of five in-silico tools predict a damaging effect of the variant on protein function. The variant allele was found at a frequency of 0.00012 in 298884 control chromosomes, predominantly at a frequency of 0.0011 within the East Asian subpopulation in the gnomAD database. This frequency is not significantly higher than estimated for a pathogenic variant in NBN causing Nijmegen Breakage Syndrome (0.00012 vs 0.0025), allowing no conclusion about variant significance. c.104T>C has been reported in the literature in individuals affected with breast cancer and in healthy controls (Damiola_2014, Momozawa_2018, Dorling_2021). These reports do not provide unequivocal conclusions about association of the variant with Nijmegen Breakage Syndrome. To our knowledge, no experimental evidence demonstrating an impact on protein function has been reported. The following publications have been ascertained in the context of this evaluation (PMID: 26787654, 24894818, 30287823, 33471991). Nine submitters have cited clinical-significance assessments for this variant to ClinVar after 2014, and classified it as uncertain significance (n=7) or likely benign (n=2). Based on the evidence outlined above, the variant was classified as uncertain significance.

Ambry Genetics
Classification: Likely benign for Hereditary cancer-predisposing syndrome. Last evaluated: 2023-08-17. Review status: criteria provided, single submitter. Criteria: Ambry Variant Classification Scheme 2023. Collection method: clinical testing. Allele origin: germline.

Genome-Nilou Lab
Classification: Uncertain significance for Microcephaly, normal intelligence and immunodeficiency. Last evaluated: 2021-11-07. Review status: criteria provided, single submitter. Criteria: ACMG Guidelines, 2015. Collection method: clinical testing. Allele origin: germline. Affected: no.

Sema4
Classification: Uncertain significance for Hereditary cancer-predisposing syndrome. Last evaluated: 2021-08-23. Review status: criteria provided, single submitter. Criteria: Sema4 Curation Guidelines. Collection method: curation. Allele origin: germline.
Comment: The NBN c.104T>C (p.I35T) variant has been reported in several individuals with breast cancer (PMID: 33471991, 26787654, 24894818), however it has also been identified in multiple healthy controls (PMID: 33471991, 30287823, 24894818). It was observed in 22/19954 chromosomes of the East Asian subpopulation, with no homozygotes, in the large and broad cohorts of the Genome Aggregation Database (PMID: 32461654). The variant has been reported in ClinVar (Variation ID: 136034). In silico tools suggest the impact of the variant on protein function is deleterious, though these predictions have not been confirmed by functional studies. The evidence is insufficient to meet ACMG/AMP criteria for classifying the variant as benign or pathogenic. Thus, the clinical significance of this variant is currently uncertain.

Quest Diagnostics Nichols Institute San Juan Capistrano
Classification: Likely benign. Last evaluated: 2021-03-30. Review status: criteria provided, single submitter. Criteria: Quest Diagnostics criteria. Collection method: clinical testing. Allele origin: unknown.

Natera, Inc.
Classification: Uncertain significance for Nijmegen breakage syndrome. Last evaluated: 2020-01-17. Review status: no assertion criteria provided. Collection method: clinical testing. Allele origin: germline. Not counted in ClinVar's aggregate classification.

Counsyl
Classification: Uncertain significance for Microcephaly, normal intelligence and immunodeficiency. Last evaluated: 2017-12-28. Review status: no assertion criteria provided. Collection method: clinical testing. Allele origin: unknown. Not counted in ClinVar's aggregate classification.

Department of Pathology and Laboratory Medicine, Sinai Health System
Classification: Uncertain significance for Microcephaly, normal intelligence and immunodeficiency. Review status: no assertion criteria provided. Collection method: clinical testing. Allele origin: unknown. Affected: yes. Study: The Canadian Open Genetics Repository (COGR). Not counted in ClinVar's aggregate classification.
Comment: The NBN p.Ile35Thr variant was not identified in 16728 chromosomes from individuals or families with breast cancer, but was present in 8 of 24728 control chromosomes (frequency: 0.0003) from healthy individuals (Damiola 2014, Momozawa 2018). The variant was also identified in dbSNP (ID: rs587780773) as "With Uncertain significance allele", ClinVar (classified as uncertain significance by Invitae, Ambry Genetics, GeneDx and two other submitters), and in LOVD 3.0 (2x). The variant was identified in control databases in 32 of 277176 chromosomes at a frequency of 0.0001 (Genome Aggregation Database Feb 27, 2017). The variant was observed in the following populations: Latino in 4 of 34420 chromosomes (freq: 0.0001), European in 5 of 126682 chromosomes (freq: 0.00004), East Asian in 23 of 18870 chromosomes (freq: 0.001); it was not observed in the African, Other, Ashkenazi Jewish, Finnish, or South Asian populations. The p.Ile35 residue is conserved in mammals but not in more distantly related organisms, and four out of five computational analyses (PolyPhen-2, SIFT, AlignGVGD, BLOSUM, MutationTaster) suggest that the variant may impact the protein; however, this information is not predictive enough to assume pathogenicity. The variant occurs outside of the splicing consensus sequence and in silico or computational prediction software programs (SpliceSiteFinder, MaxEntScan, NNSPLICE, GeneSplicer) do not predict a difference in splicing. In summary, based on the above information the clinical significance of this variant cannot be determined with certainty at this time. This variant is classified as a variant of uncertain significance.

Literature cited by the submitters: PubMed 26787654 (cited by 3 submitters); PubMed 24894818 (cited by 4 submitters); PubMed 30287823 (cited by 4 submitters); PubMed 33471991 (cited by Women's Health and Genetics/Laboratory Corporation of America, LabCorp and Sema4); PubMed 32980694 (cited by Quest Diagnostics Nichols Institute San Juan Capistrano).

NM_002485.5(NBN):c.104T>C (p.Ile35Thr)

Gene: NBN (nibrin; minus strand). Cytogenetic location: 8q21.3.
Variant type: single nucleotide variant.
Coding change: c.104T>C on transcript NM_002485.5 (MANE Select); coding-DNA position 104, T replaced by C.
Protein change: p.Ile35Thr; replaces isoleucine 35 with threonine.
Molecular consequence: missense variant. On other transcripts: 5 prime UTR variant (1).
Genome position (GRCh38, 1-based): chr8:89,982,789, A>G on the plus strand (T>C on the coding strand, the complement: NBN is on the minus strand). VCF-style: chr8-89982789-A-G. GRCh37 (hg19) VCF-style: chr8-90995017-A-G.
Other names: p.Ile35Thr; c.-193T>C (NM_001024688.3); short protein forms I35T.
Identifiers: ClinVar variation 136034 (VCV000136034.38), dbSNP rs587780773, ClinGen allele CA332807.